The following is an entry in ClinVar:

ClinVar aggregate classification (germline): Uncertain significance (1 of 4 stars; one submission).

Conditions:
Fanconi anemia (FA). Also called: Fanconi's anemia. Identifiers: Orphanet 84, MedGen C0015625, MeSH D005199, MONDO:0019391.

Allele frequency attached by ClinVar (database versions not stated): gnomAD exomes below 0.00001 and 0.00001; TOPMed below 0.00001.
gnomAD v4.1: 7 of 1,614,068 alleles (0.00043%); highest among the groups gnomAD compares: Admixed American, 0.0033%; no homozygotes.

Submission:

Labcorp Genetics (formerly Invitae), Labcorp
Classification: Uncertain significance for Fanconi anemia. Last evaluated: 2025-05-19. Review status: criteria provided, single submitter. Criteria: Invitae Variant Classification Sherloc (09022015). Collection method: clinical testing. Allele origin: germline.
Comment: This sequence change replaces arginine, which is basic and polar, with isoleucine, which is neutral and non-polar, at codon 1799 of the FANCM protein (p.Arg1799Ile). This variant is present in population databases (no rsID available, gnomAD 0.003%). This variant has not been reported in the literature in individuals affected with FANCM-related conditions. ClinVar contains an entry for this variant (Variation ID: 567229). An algorithm developed to predict the effect of missense changes on protein structure and function (PolyPhen-2) suggests that this variant is likely to be tolerated. In summary, the available evidence is currently insufficient to determine the role of this variant in disease. Therefore, it has been classified as a Variant of Uncertain Significance.

NM_020937.4(FANCM):c.5396G>T (p.Arg1799Ile)

Gene: FANCM (FA complementation group M; plus strand). Cytogenetic location: 14q21.2.
Variant type: single nucleotide variant.
Coding change: c.5396G>T on transcript NM_020937.4 (MANE Select); coding-DNA position 5396, G replaced by T.
Protein change: p.Arg1799Ile; replaces arginine 1799 with isoleucine.
Molecular consequence: missense variant.
Genome position (GRCh38, 1-based): chr14:45,196,227, G>T. VCF-style: chr14-45196227-G-T. GRCh37 (hg19) VCF-style: chr14-45665430-G-T.
Other names: c.5318G>T, p.Arg1773Ile (NM_001308133.2); c.5396G>T (LRG_502t1); short protein forms R1799I, R1773I.
Identifiers: ClinVar variation 567229 (VCV000567229.8), dbSNP rs996654030, ClinGen allele CA259601472.